The following is an entry in ClinVar:

NM_133450.4(ANKS3):c.1745C>T (p.Ser582Leu)

Gene: ANKS3 (ankyrin repeat and sterile alpha motif domain containing 3; minus strand). Cytogenetic location: 16p13.3.
Variant type: single nucleotide variant.
Coding change: c.1745C>T on transcript NM_133450.4 (MANE Select); coding-DNA position 1745, C replaced by T.
Protein change: p.Ser582Leu; replaces serine 582 with leucine.
Molecular consequence: missense variant. On other transcripts: non-coding transcript variant (1).
Genome position (GRCh38, 1-based): chr16:4,698,042, G>A on the plus strand (C>T on the coding strand, the complement: ANKS3 is on the minus strand). VCF-style: chr16-4698042-G-A. GRCh37 (hg19) VCF-style: chr16-4748043-G-A.
Other names: c.1424C>T, p.Ser475Leu (NM_001242929.2); c.1358C>T, p.Ser453Leu (NM_001308089.2); c.1226C>T, p.Ser409Leu (NM_001324129.2); c.875C>T, p.Ser292Leu (NM_001324130.2); short protein forms S292L, S409L, S453L, S475L, S582L.
Identifiers: ClinVar variation 3033093 (VCV003033093.2), dbSNP rs148408215, ClinGen allele CA7879552.

ClinVar aggregate classification (germline): Likely benign (0 of 4 stars; one submission).

Conditions:
ANKS3-related disorder. Also called: ANKS3-related condition.

Allele frequency attached by ClinVar (database versions not stated): 1000 Genomes Project 0.00060; 1000 Genomes Project 30x 0.00062; gnomAD 0.00085; ExAC 0.00102; TOPMed 0.00109; ESP Exome Variant Server 0.00115; gnomAD exomes 0.00157.

Submission:

PreventionGenetics, part of Exact Sciences
Classification: Likely benign for ANKS3-related condition. Last evaluated: 2022-12-15. Review status: no assertion criteria provided. Collection method: clinical testing. Allele origin: germline.
Comment: This variant is classified as likely benign based on ACMG/AMP sequence variant interpretation guidelines (Richards et al. 2015 PMID: 25741868, with internal and published modifications).